The following is an entry in ClinVar:

NM_006236.3(POU3F3):c.617_632delinsCCC (p.Leu206fs)

Gene: POU3F3 (POU class 3 homeobox 3; plus strand). Cytogenetic location: 2q12.1.
Variant type: Indel.
Coding change: c.617_632delinsCCC on transcript NM_006236.3 (MANE Select); coding-DNA positions 617 to 632, TCCCGTCCATGGCCGG replaced by CCC.
Protein change: p.Leu206fs; shifts the reading frame from leucine 206.
Molecular consequence: frameshift variant.
Genome position (GRCh38, 1-based): chr2:104,856,127-104,856,142, TCCCGTCCATGGCCGG replaced by CCC. VCF-style: chr2-104856127-TCCCGTCCATGGCCGG-CCC. GRCh37 (hg19) VCF-style: chr2-105472585-TCCCGTCCATGGCCGG-CCC.
Other names: short protein forms L206fs.
Identifiers: ClinVar variation 1801488 (VCV001801488.3), dbSNP rs2466875718, ClinGen allele CA2580063706.

ClinVar aggregate classification (germline): Likely pathogenic (1 of 4 stars; one submission).

Conditions:
Snijders blok-fisher syndrome. Identifiers: Orphanet 656135, MedGen C5231424, MONDO:0032830, OMIM 618604.

Submission:

Genome Diagnostics Laboratory, University Medical Center Utrecht
Classification: Likely pathogenic for Snijders blok-fisher syndrome. Last evaluated: 2022-11-25. Review status: criteria provided, single submitter. Criteria: ACGS Guidelines, 2013. Collection method: clinical testing. Allele origin: de novo. Inheritance: Autosomal dominant inheritance. Affected: yes. Observed: 1 heterozygote.
Comment: Clinical phenotype of patient fits well with the clinical features associated with Snijders Blok-Campeau syndrome.